The following is an entry in ClinVar:

NM_001039876.3(SYNE4):c.415del (p.Gln139fs)

Gene: SYNE4 (spectrin repeat containing nuclear envelope family member 4; minus strand). Cytogenetic location: 19q13.12.
Variant type: Deletion.
Coding change: c.415del on transcript NM_001039876.3 (MANE Select); coding-DNA position 415, one base deleted (C; older notation c.415delC).
Protein change: p.Gln139fs; shifts the reading frame from glutamine 139.
Molecular consequence: frameshift variant. On other transcripts: intron variant (1).
Genome position (GRCh38, 1-based): chr19:36,007,133, G deleted on the plus strand (C on the coding strand, the reverse complement: SYNE4 is on the minus strand). VCF-style (leftmost placement, unchanged base first): chr19-36007132-TG-T. GRCh37 (hg19) VCF-style: chr19-36498034-TG-T.
Other names: c.280-462del (NM_001297735.3); short protein forms Q139fs.
Identifiers: ClinVar variation 4731729 (VCV004731729.1).

ClinVar aggregate classification (germline): Pathogenic (1 of 4 stars; one submission).

Submission:

Labcorp Genetics (formerly Invitae), Labcorp
Classification: Pathogenic. Last evaluated: 2025-11-23. Review status: criteria provided, single submitter. Criteria: Invitae Variant Classification Sherloc (09022015). Collection method: clinical testing. Allele origin: germline.
Comment: This sequence change creates a premature translational stop signal (p.Gln139Serfs*20) in the SYNE4 gene. It is expected to result in an absent or disrupted protein product. Loss-of-function variants in SYNE4 are known to be pathogenic (PMID: 23348741, 28958982). This variant is not present in population databases (gnomAD no frequency). This variant has not been reported in the literature in individuals affected with SYNE4-related conditions. For these reasons, this variant has been classified as Pathogenic.

Literature cited by the submitters: PubMed 23348741; PubMed 28958982.